The following is an entry in ClinVar:

NM_007194.4(CHEK2):c.478A>C (p.Ile160Leu)

Gene: CHEK2 (checkpoint kinase 2; minus strand). Cytogenetic location: 22q12.1.
Variant type: single nucleotide variant.
Coding change: c.478A>C on transcript NM_007194.4 (MANE Select); coding-DNA position 478, A replaced by C.
Protein change: p.Ile160Leu; replaces isoleucine 160 with leucine.
Molecular consequence: missense variant. On other transcripts: 5 prime UTR variant (2), intron variant (1).
Genome position (GRCh38, 1-based): chr22:28,725,091, T>G on the plus strand (A>C on the coding strand, the complement: CHEK2 is on the minus strand). VCF-style: chr22-28725091-T-G. GRCh37 (hg19) VCF-style: chr22-29121079-T-G.
Other names: c.607A>C, p.Ile203Leu (NM_001005735.3, NM_001438294.1); c.-300A>C (NM_001257387.3); c.-186A>C (NM_001437942.1); c.571A>C, p.Ile191Leu (NM_001438293.1, NM_001438295.1); c.478A>C, p.Ile160Leu (NM_145862.3); c.444+152A>C (NM_001349956.3); short protein forms I160L, I203L, I191L.
Identifiers: ClinVar variation 481709 (VCV000481709.20), dbSNP rs876659950, ClinGen allele CA411107611.

ClinVar aggregate classification (germline): Conflicting classifications of pathogenicity. Review status: criteria provided, conflicting classifications (1 of 4 stars). 3 submissions from 3 submitters: Uncertain significance (2); Likely benign (1). Last evaluated 2025-11-13.

Conditions:
Familial cancer of breast. Also called: BREAST CANCER, FAMILIAL; Hereditary breast cancer; hereditary breast carcinoma. Identifiers: Orphanet 227535, MedGen C0346153, MONDO:0016419, OMIM 114480. Disease mechanism: loss of function.
Hereditary cancer-predisposing syndrome. Also called: Neoplastic Syndromes, Hereditary; Tumor predisposition; Hereditary Cancer Syndrome; Hereditary neoplastic syndrome. Identifiers: Orphanet 140162, MedGen C0027672, MeSH D009386, MONDO:0015356.

gnomAD v4.1: 1 of 1,614,166 alleles (0.000062%); highest among the groups gnomAD compares: Non-Finnish European, 0.000085%; no homozygotes.

Submissions (3):

Labcorp Genetics (formerly Invitae), Labcorp
Classification: Uncertain significance for Familial cancer of breast. Last evaluated: 2025-11-13. Review status: criteria provided, single submitter. Criteria: Invitae Variant Classification Sherloc (09022015). Collection method: clinical testing. Allele origin: germline.
Comment: This sequence change replaces isoleucine, which is neutral and non-polar, with leucine, which is neutral and non-polar, at codon 160 of the CHEK2 protein (p.Ile160Leu). This variant is not present in population databases (gnomAD no frequency). This variant has not been reported in the literature in individuals affected with CHEK2-related conditions. ClinVar contains an entry for this variant (Variation ID: 481709). An algorithm developed to predict the effect of missense changes on protein structure and function outputs the following: PolyPhen-2: "Benign". The leucine amino acid residue is found in multiple mammalian species, which suggests that this missense change does not adversely affect protein function. In summary, the available evidence is currently insufficient to determine the role of this variant in disease. Therefore, it has been classified as a Variant of Uncertain Significance.

Ambry Genetics
Classification: Likely benign for Hereditary cancer-predisposing syndrome. Last evaluated: 2024-09-23. Review status: criteria provided, single submitter. Criteria: Ambry Variant Classification Scheme 2023. Collection method: clinical testing. Allele origin: germline.

Color Diagnostics, LLC DBA Color Health
Classification: Uncertain significance for Hereditary cancer-predisposing syndrome. Last evaluated: 2024-07-09. Review status: criteria provided, single submitter. Criteria: ACMG Guidelines, 2015. Collection method: clinical testing. Allele origin: germline.
Comment: This missense variant replaces isoleucine with leucine at codon 160 of the CHEK2 protein. Computational prediction suggests that this variant may not impact protein structure and function. A functional study has shown this variant does not impact KAP1 phosphorylation or CHK2 autophosphorylation in a human cell complementation assay (PMID: 37449874). This variant has been reported in an individual affected with breast cancer (PMID: 37449874). This variant has not been identified in the general population by the Genome Aggregation Database (gnomAD). The available evidence is insufficient to determine the role of this variant in disease conclusively. Therefore, this variant is classified as a Variant of Uncertain Significance.

Literature cited by the submitters: PubMed 37449874 (cited by Ambry Genetics and Color Diagnostics, LLC DBA Color Health).